The following is an entry in ClinVar:

NM_004855.5(PIGB):c.1063T>G (p.Leu355Val)

Gene: PIGB (phosphatidylinositol glycan anchor biosynthesis class B; plus strand). Cytogenetic location: 15q21.3.
Variant type: single nucleotide variant.
Coding change: c.1063T>G on transcript NM_004855.5 (MANE Select); coding-DNA position 1063, T replaced by G.
Protein change: p.Leu355Val; replaces leucine 355 with valine.
Molecular consequence: missense variant.
Genome position (GRCh38, 1-based): chr15:55,341,742, T>G. VCF-style: chr15-55341742-T-G. GRCh37 (hg19) VCF-style: chr15-55633940-T-G.
Other names: c.1063T>G (NM_004855.4); short protein forms L355V.
Identifiers: ClinVar variation 1381089 (VCV001381089.4), dbSNP rs776131266, ClinGen allele CA7574004.

ClinVar aggregate classification (germline): Uncertain significance. Review status: criteria provided, multiple submitters, no conflicts (2 of 4 stars). 2 submissions from 2 submitters: Uncertain significance (2). Last evaluated 2025-12-04.

Conditions:
Inborn genetic diseases. Identifiers: MedGen C0950123, MeSH D030342.

Allele frequency attached by ClinVar (database versions not stated): ExAC 0.00009; gnomAD exomes 0.00008 and 0.00004; gnomAD 0.00003; TOPMed 0.00005.

Submissions (2):

Ambry Genetics
Classification: Uncertain significance for Inborn genetic diseases. Last evaluated: 2025-12-04. Review status: criteria provided, single submitter. Criteria: Ambry Variant Classification Scheme 2023. Collection method: clinical testing. Allele origin: germline.

Labcorp Genetics (formerly Invitae), Labcorp
Classification: Uncertain significance. Last evaluated: 2022-08-19. Review status: criteria provided, single submitter. Criteria: Invitae Variant Classification Sherloc (09022015). Collection method: clinical testing. Allele origin: germline.
Comment: This sequence change replaces leucine, which is neutral and non-polar, with valine, which is neutral and non-polar, at codon 355 of the PIGB protein (p.Leu355Val). This variant is present in population databases (rs776131266, gnomAD 0.02%). This variant has not been reported in the literature in individuals affected with PIGB-related conditions. ClinVar contains an entry for this variant (Variation ID: 1381089). Algorithms developed to predict the effect of missense changes on protein structure and function (SIFT, PolyPhen-2, Align-GVGD) all suggest that this variant is likely to be tolerated. Algorithms developed to predict the effect of sequence changes on RNA splicing suggest that this variant may create or strengthen a splice site. In summary, the available evidence is currently insufficient to determine the role of this variant in disease. Therefore, it has been classified as a Variant of Uncertain Significance.